The following is an entry in ClinVar:

ClinVar aggregate classification (germline): Uncertain significance (1 of 4 stars; one submission).

gnomAD v4.1: 55 of 1,613,996 alleles (0.0034%); highest among the groups gnomAD compares: Non-Finnish European, 0.0043%; no homozygotes.

Submission:

GeneDx
Classification: Uncertain significance. Last evaluated: 2024-03-03. Review status: criteria provided, single submitter. Criteria: GeneDx Variant Classification Process June 2021. Collection method: clinical testing. Allele origin: germline. Affected: yes.
Comment: Not observed at significant frequency in large population cohorts (gnomAD); In silico analysis supports that this missense variant does not alter protein structure/function; Has not been previously published as pathogenic or benign to our knowledge

NM_005085.4(NUP214):c.4155G>T (p.Glu1385Asp)

Gene: NUP214 (nucleoporin 214; plus strand). Cytogenetic location: 9q34.13.
Variant type: single nucleotide variant.
Coding change: c.4155G>T on transcript NM_005085.4 (MANE Select); coding-DNA position 4155, G replaced by T.
Protein change: p.Glu1385Asp; replaces glutamic acid 1385 with aspartic acid.
Molecular consequence: missense variant.
Genome position (GRCh38, 1-based): chr9:131,197,649, G>T. VCF-style: chr9-131197649-G-T. GRCh37 (hg19) VCF-style: chr9-134073036-G-T.
Other names: c.4125G>T, p.Glu1375Asp (NM_001318324.2); c.633G>T, p.Glu211Asp (NM_001318325.2); short protein forms E1375D, E1385D, E211D.
Identifiers: ClinVar variation 3373452 (VCV003373452.1).